The following is an entry in ClinVar:

NM_006852.6(TLK2):c.1397dup (p.Ala467fs)

Gene: TLK2 (tousled like kinase 2; plus strand). Cytogenetic location: 17q23.2.
Variant type: Duplication.
Coding change: c.1397dup on transcript NM_006852.6 (MANE Select); coding-DNA position 1397, one base duplicated (T; older notation c.1397dupT).
Protein change: p.Ala467fs; shifts the reading frame from alanine 467.
Molecular consequence: frameshift variant.
Genome position (GRCh38, 1-based): chr17:62,586,163, T duplicated. VCF-style (leftmost placement, unchanged base first): chr17-62586162-G-GT. GRCh37 (hg19) VCF-style: chr17-60663523-G-GT.
Other names: c.1463dup, p.Ala489fs (NM_001284333.3); c.1301dup, p.Ala435fs (NM_001284363.1, NM_001375272.1); c.950dup, p.Ala318fs (NM_001330418.3, NM_001375273.1); c.1439dup, p.Ala481fs (NM_001375269.1); c.1397dup, p.Ala467fs (NM_001375270.1, NM_001375271.1); c.1112dup, p.Ala372fs (NM_001411074.1); short protein forms A318fs, A372fs, A467fs, A481fs, A489fs, A435fs.
Identifiers: ClinVar variation 3456890 (VCV003456890.1).

ClinVar aggregate classification (germline): Pathogenic (1 of 4 stars; one submission).

Conditions:
Inborn genetic diseases. Identifiers: MedGen C0950123, MeSH D030342.

Submission:

Ambry Genetics
Classification: Pathogenic for Inborn genetic diseases. Last evaluated: 2024-07-02. Review status: criteria provided, single submitter. Criteria: Ambry Variant Classification Scheme 2023. Collection method: clinical testing. Allele origin: germline.
Comment: The c.1397dupT (p.A467Sfs*9) alteration, located in exon 16 (coding exon 15) of the TLK2 gene, consists of a duplication of T at position 1397, causing a translational frameshift with a predicted alternate stop codon after 9 amino acids. This alteration is expected to result in loss of function by premature protein truncation or nonsense-mediated mRNA decay. This variant was not reported in population-based cohorts in the Genome Aggregation Database (gnomAD). Based on the available evidence, this alteration is classified as pathogenic.